The following is an entry in ClinVar:

NM_015231.3(NUP160):c.3219G>T (p.Arg1073=)

Gene: NUP160 (nucleoporin 160; minus strand). Cytogenetic location: 11p11.2.
Variant type: single nucleotide variant.
Coding change: c.3219G>T on transcript NM_015231.3 (MANE Select); coding-DNA position 3219, G replaced by T.
Protein change: p.Arg1073=; no amino-acid change (arginine 1073 retained).
Molecular consequence: synonymous variant. On other transcripts: non-coding transcript variant (1).
Genome position (GRCh38, 1-based): chr11:47,792,915, C>A on the plus strand (G>T on the coding strand, the complement: NUP160 is on the minus strand). VCF-style: chr11-47792915-C-A. GRCh37 (hg19) VCF-style: chr11-47814467-C-A.
Other names: c.3321G>T (NM_015231.2).
Identifiers: ClinVar variation 2821210 (VCV002821210.15), dbSNP rs61755075, ClinGen allele CA5980730.

ClinVar aggregate classification (germline): Likely benign. Review status: criteria provided, multiple submitters, no conflicts (2 of 4 stars). 3 submissions from 3 submitters: Likely benign (2). 1 of the submissions does not count toward it. Last evaluated 2025-06-12.

Conditions:
NUP160-related disorder. Also called: NUP160-related condition.

Allele frequency attached by ClinVar (database versions not stated): ESP Exome Variant Server 0.00015; 1000 Genomes Project 30x 0.00016.
gnomAD v4.1: 255 of 1,613,946 alleles (0.016%); highest among the groups gnomAD compares: South Asian, 0.16%; 1 homozygote.

Submissions (3):

Labcorp Genetics (formerly Invitae), Labcorp
Classification: Likely benign. Last evaluated: 2025-06-12. Review status: criteria provided, single submitter. Criteria: Invitae Variant Classification Sherloc (09022015). Collection method: clinical testing. Allele origin: germline.

CeGaT Center for Human Genetics Tuebingen
Classification: Likely benign. Last evaluated: 2025-06-01. Review status: criteria provided, single submitter. Criteria: CeGaT Center For Human Genetics Tuebingen Variant Classification Criteria Version 2. Collection method: clinical testing. Allele origin: germline. Affected: yes. Observed: 1 variant allele.
Comment: NUP160: BP4, BP7

PreventionGenetics, part of Exact Sciences
Classification: Likely benign for NUP160-related condition. Last evaluated: 2020-07-28. Review status: no assertion criteria provided. Collection method: clinical testing. Allele origin: germline. Not counted in ClinVar's aggregate classification.
Comment: This variant is classified as likely benign based on ACMG/AMP sequence variant interpretation guidelines (Richards et al. 2015 PMID: 25741868, with internal and published modifications).